The following is an entry in ClinVar:

ClinVar aggregate classification (germline): Likely pathogenic (1 of 4 stars; one submission).

Submission:

GeneDx
Classification: Likely pathogenic. Last evaluated: 2023-06-02. Review status: criteria provided, single submitter. Criteria: GeneDx Variant Classification Process June 2021. Collection method: clinical testing. Allele origin: germline. Affected: yes.
Comment: Nonsense variant predicted to result in protein truncation, as the last 672 amino acids are lost, and other loss-of-function variants have been reported downstream in HGMD; Not observed at significant frequency in large population cohorts (gnomAD); This variant is associated with the following publications: (PMID: 30733140)

NM_024496.4(IRF2BPL):c.373C>T (p.Gln125Ter)

Gene: IRF2BPL (interferon regulatory factor 2 binding protein like; minus strand). Cytogenetic location: 14q24.3.
Variant type: single nucleotide variant.
Coding change: c.373C>T on transcript NM_024496.4 (MANE Select); coding-DNA position 373, C replaced by T.
Protein change: p.Gln125Ter; replaces glutamine 125 with a stop codon.
Molecular consequence: nonsense.
Genome position (GRCh38, 1-based): chr14:77,027,420, G>A on the plus strand (C>T on the coding strand, the complement: IRF2BPL is on the minus strand). VCF-style: chr14-77027420-G-A. GRCh37 (hg19) VCF-style: chr14-77493763-G-A.
Other names: short protein forms Q125*.
Identifiers: ClinVar variation 3340683 (VCV003340683.1).